The following is an entry in ClinVar:

NM_003119.4(SPG7):c.907G>A (p.Gly303Arg)

Gene: SPG7 (SPG7 matrix AAA peptidase subunit, paraplegin; plus strand). Cytogenetic location: 16q24.3.
Variant type: single nucleotide variant.
Coding change: c.907G>A on transcript NM_003119.4 (MANE Select); coding-DNA position 907, G replaced by A.
Protein change: p.Gly303Arg; replaces glycine 303 with arginine.
Molecular consequence: missense variant.
Genome position (GRCh38, 1-based): chr16:89,530,728, G>A. VCF-style: chr16-89530728-G-A. GRCh37 (hg19) VCF-style: chr16-89597136-G-A.
Other names: c.907G>A, p.Gly303Arg (NM_001363850.1, NM_199367.3); short protein forms G303R.
Identifiers: ClinVar variation 4730106 (VCV004730106.1).

ClinVar aggregate classification (germline): Uncertain significance (1 of 4 stars; one submission).

Conditions:
Hereditary spastic paraplegia 7 (SPG7). Also called: SPASTIC PARAPLEGIA 7, AUTOSOMAL RECESSIVE, WITH OR WITHOUT CEREBELLAR ATAXIA; SPG7-related neurologic disorder; Spastic paraplegia 7; Hereditary spastic paraplegia Paraplegin type; Autosomal recessive spastic paraplegia type 7. Identifiers: Orphanet 99013, MedGen C1846564, MONDO:0011803, OMIM 607259.

Submission:

Labcorp Genetics (formerly Invitae), Labcorp
Classification: Uncertain significance for Hereditary spastic paraplegia 7. Last evaluated: 2025-09-10. Review status: criteria provided, single submitter. Criteria: Invitae Variant Classification Sherloc (09022015). Collection method: clinical testing. Allele origin: germline.
Comment: This sequence change replaces glycine, which is neutral and non-polar, with arginine, which is basic and polar, at codon 303 of the SPG7 protein (p.Gly303Arg). This variant is present in population databases (no rsID available, gnomAD 0.002%). This variant has not been reported in the literature in individuals affected with SPG7-related conditions. Invitae Evidence Modeling of protein sequence and biophysical properties (such as structural, functional, and spatial information, amino acid conservation, physicochemical variation, residue mobility, and thermodynamic stability) indicates that this missense variant is not expected to disrupt SPG7 protein function with a negative predictive value of 80%. In summary, the available evidence is currently insufficient to determine the role of this variant in disease. Therefore, it has been classified as a Variant of Uncertain Significance.